The following is an entry in ClinVar:

ClinVar aggregate classification (germline): Conflicting classifications of pathogenicity. Review status: criteria provided, conflicting classifications (1 of 4 stars). 3 submissions from 3 submitters: Uncertain significance (2); Likely benign (1). Last evaluated 2024-12-19.

Conditions:
Inborn genetic diseases. Identifiers: MedGen C0950123, MeSH D030342.
Intellectual developmental disorder with autistic features and language delay, with or without seizures. Identifiers: MedGen C5394447, MONDO:0030051, OMIM 618906.

gnomAD v4.1: 8 of 1,571,754 alleles (0.00051%); highest among the groups gnomAD compares: South Asian, 0.0012%; no homozygotes.

Submissions (3):

Genomic Medicine Center of Excellence, King Faisal Specialist Hospital and Research Centre
Classification: Likely benign for Intellectual developmental disorder with autistic features and language delay, with or without seizures. Last evaluated: 2024-12-19. Review status: criteria provided, single submitter. Criteria: ACMG Guidelines, 2015. Collection method: clinical testing. Allele origin: germline.

Ambry Genetics
Classification: Uncertain significance for Inborn genetic diseases. Last evaluated: 2022-12-14. Review status: criteria provided, single submitter. Criteria: Ambry Variant Classification Scheme 2023. Collection method: clinical testing. Allele origin: germline.

CeGaT Center for Human Genetics Tuebingen
Classification: Uncertain significance. Last evaluated: 2022-03-01. Review status: criteria provided, single submitter. Criteria: CeGaT Center For Human Genetics Tuebingen Variant Classification Criteria Version 2. Collection method: clinical testing. Allele origin: germline. Affected: yes. Observed: 1 variant allele.
Comment: TANC2: PM2, PP3

NM_001394998.1(TANC2):c.2789G>A (p.Arg930Gln)

Genes: TANC2 (tetratricopeptide repeat, ankyrin repeat and coiled-coil containing 2; plus strand), LOC105371856 (uncharacterized LOC105371856; minus strand). Cytogenetic location: 17q23.3.
Variant type: single nucleotide variant.
Coding change: c.2789G>A on transcript NM_001394998.1 (MANE Select); coding-DNA position 2789, G replaced by A.
Protein change: p.Arg930Gln; replaces arginine 930 with glutamine.
Molecular consequence: missense variant.
Genome position (GRCh38, 1-based): chr17:63,388,732, G>A. VCF-style: chr17-63388732-G-A. GRCh37 (hg19) VCF-style: chr17-61466093-G-A.
Other names: c.2567G>A, p.Arg856Gln (NM_001411076.1, NM_025185.4); short protein forms R856Q, R930Q.
Identifiers: ClinVar variation 2334691 (VCV002334691.27), dbSNP rs968360568, ClinGen allele CA292890189.
Genomic context (GRCh38, chr17:63,388,732, plus strand): 5'-TCCAAGGTCTCTGGATCTCTTATAGCACAGAAGGTCTTTCCATGGCACTGGCGTCTTTAC[G>A]AAATCTCTACACTCCAAATATAAAGGTAAATTTATAAAGAAATTATAAATATGATAAGGA-3'
Protein context (NP_001381927.1, residues 920-940): EGLSMALASL[Arg930Gln]NLYTPNIKVS